The following is an entry in ClinVar:

ClinVar aggregate classification (germline): Uncertain significance. Review status: criteria provided, multiple submitters, no conflicts (2 of 4 stars). 2 submissions from 2 submitters: Uncertain significance (2). Last evaluated 2025-09-28.

Conditions:
Cardiovascular phenotype. Identifiers: MedGen CN230736.
Aortic valve disease 2 (AOVD2). Identifiers: MedGen C3542024, MONDO:0013902, OMIM 614823.

Allele frequency attached by ClinVar (database versions not stated): ExAC 0.00001; ESP Exome Variant Server 0.00008.
gnomAD v4.1: 21 of 1,614,110 alleles (0.0013%); highest among the groups gnomAD compares: Middle Eastern, 0.017%; no homozygotes.

Submissions (2):

Ambry Genetics
Classification: Uncertain significance for Cardiovascular phenotype. Last evaluated: 2025-09-28. Review status: criteria provided, single submitter. Criteria: Ambry Variant Classification Scheme 2023. Collection method: clinical testing. Allele origin: germline.

Labcorp Genetics (formerly Invitae), Labcorp
Classification: Uncertain significance for Aortic valve disease 2. Last evaluated: 2025-01-24. Review status: criteria provided, single submitter. Criteria: Invitae Variant Classification Sherloc (09022015). Collection method: clinical testing. Allele origin: germline.
Comment: This sequence change replaces aspartic acid, which is acidic and polar, with tyrosine, which is neutral and polar, at codon 25 of the TBX5 protein (p.Asp25Tyr). This variant is present in population databases (rs148195311, gnomAD 0.01%). This variant has not been reported in the literature in individuals affected with TBX5-related conditions. ClinVar contains an entry for this variant (Variation ID: 1758733). Invitae Evidence Modeling of protein sequence and biophysical properties (such as structural, functional, and spatial information, amino acid conservation, physicochemical variation, residue mobility, and thermodynamic stability) indicates that this missense variant is not expected to disrupt TBX5 protein function with a negative predictive value of 95%. In summary, the available evidence is currently insufficient to determine the role of this variant in disease. Therefore, it has been classified as a Variant of Uncertain Significance.

NM_181486.4(TBX5):c.73G>T (p.Asp25Tyr)

Gene: TBX5 (T-box transcription factor 5; minus strand). Cytogenetic location: 12q24.21.
Variant type: single nucleotide variant.
Coding change: c.73G>T on transcript NM_181486.4 (MANE Select); coding-DNA position 73, G replaced by T.
Protein change: p.Asp25Tyr; replaces aspartic acid 25 with tyrosine.
Molecular consequence: missense variant. On other transcripts: intron variant (1).
Genome position (GRCh38, 1-based): chr12:114,403,826, C>A on the plus strand (G>T on the coding strand, the complement: TBX5 is on the minus strand). VCF-style: chr12-114403826-C-A. GRCh37 (hg19) VCF-style: chr12-114841631-C-A.
Other names: c.73G>T, p.Asp25Tyr (NM_000192.3); c.-3-1906G>T (NM_080717.4); short protein forms D25Y.
Identifiers: ClinVar variation 1758733 (VCV001758733.5), dbSNP rs148195311, ClinGen allele CA6809729.
Genomic context (GRCh38, chr12:114,403,826, plus strand): 5'-CGGCCTGCGGGGACGACGGGGACTTGCTGGGGGCCCCGAGCGCGCTCTCGGGTTTCGAAT[C>A]GCAGGGCAGGTCTTTTGCGTCAGGCTCCAGAGGCGTGTGCGCCAGGCCAAAGCCCTCGTC-3'
Protein context (NP_852259.1, residues 15-35): LEPDAKDLPC[Asp25Tyr]SKPESALGAP